The following is an entry in ClinVar:

ClinVar aggregate classification (germline): Conflicting classifications of pathogenicity. Review status: criteria provided, conflicting classifications (1 of 4 stars). 3 submissions from 3 submitters: Uncertain significance (2); Likely benign (1). Last evaluated 2026-09-01.

Allele frequency attached by ClinVar (database versions not stated): gnomAD exomes 0.00001 and 0.00002; TOPMed 0.00001; gnomAD 0.00005.
gnomAD v4.1: 30 of 1,210,775 alleles (0.0025%); highest among the groups gnomAD compares: Non-Finnish European, 0.0034%; no homozygotes.

Submissions (3):

CeGaT Center for Human Genetics Tuebingen
Classification: Likely benign. Last evaluated: 2026-09-01. Review status: criteria provided, single submitter. Criteria: CeGaT Center For Human Genetics Tuebingen Variant Classification Criteria Version 2. Collection method: clinical testing. Allele origin: germline. Affected: yes. Observed: 1 variant allele.
Comment: CACNA1F: BP4, BS2

Labcorp Genetics (formerly Invitae), Labcorp
Classification: Uncertain significance. Last evaluated: 2025-05-08. Review status: criteria provided, single submitter. Criteria: Invitae Variant Classification Sherloc (09022015). Collection method: clinical testing. Allele origin: germline.
Comment: This sequence change replaces methionine, which is neutral and non-polar, with isoleucine, which is neutral and non-polar, at codon 428 of the CACNA1F protein (p.Met428Ile). This variant is present in population databases (no rsID available, gnomAD 0.004%). This variant has not been reported in the literature in individuals affected with CACNA1F-related conditions. ClinVar contains an entry for this variant (Variation ID: 1507011). An algorithm developed to predict the effect of missense changes on protein structure and function (PolyPhen-2) suggests that this variant is likely to be tolerated. In summary, the available evidence is currently insufficient to determine the role of this variant in disease. Therefore, it has been classified as a Variant of Uncertain Significance.

Blueprint Genetics
Classification: Uncertain significance. Last evaluated: 2020-12-04. Review status: criteria provided, single submitter. Criteria: ACMG Guidelines, 2015. Collection method: clinical testing. Allele origin: germline.

NM_001256789.3(CACNA1F):c.1276+8G>T

Gene: CACNA1F (calcium voltage-gated channel subunit alpha1 F; minus strand). Cytogenetic location: Xp11.23.
Variant type: single nucleotide variant.
Coding change: c.1276+8G>T on transcript NM_001256789.3 (MANE Select); 8 bases into the intron after coding-DNA position 1276, G replaced by T.
Molecular consequence: intron variant. On other transcripts: missense variant (2).
Genome position (GRCh38, 1-based): chrX:49,226,962, C>A on the plus strand (G>T on the coding strand, the complement: CACNA1F is on the minus strand). VCF-style: chrX-49226962-C-A. GRCh37 (hg19) VCF-style: chrX-49083424-C-A.
Other names: c.1089G>T, p.Met363Ile (NM_001256790.3); c.1284G>T, p.Met428Ile (NM_005183.4); short protein forms M428I, M363I.
Identifiers: ClinVar variation 1507011 (VCV001507011.10), dbSNP rs996437920, ClinGen allele CA329123789.
Genomic context (GRCh38, chrX:49,226,962, plus strand): 5'-GCATGCAGGGAATGGGCCAGATTGGAGTTGCCTACGATGGCCCGCCCGGCCCTCTTCAGC[C>A]ATAGAACCAAGGTTGTCATCGGCGGAGGGGTCCTCCATGTCCAGCTCTTCGGCTTGAGTG-3'